The following is an entry in ClinVar:

ClinVar aggregate classification (germline): Uncertain significance (1 of 4 stars; one submission).

Allele frequency attached by ClinVar (database versions not stated): gnomAD exomes below 0.00001.
gnomAD v4.1: 1 of 1,613,854 alleles (0.000062%); highest among the groups gnomAD compares: African/African-American, 0.0013%; no homozygotes.

Submission:

Labcorp Genetics (formerly Invitae), Labcorp
Classification: Uncertain significance. Last evaluated: 2022-07-12. Review status: criteria provided, single submitter. Criteria: Invitae Variant Classification Sherloc (09022015). Collection method: clinical testing. Allele origin: germline.
Comment: ClinVar contains an entry for this variant (Variation ID: 1496930). This sequence change replaces aspartic acid, which is acidic and polar, with glycine, which is neutral and non-polar, at codon 386 of the NTRK2 protein (p.Asp386Gly). This variant is not present in population databases (gnomAD no frequency). This variant has not been reported in the literature in individuals affected with NTRK2-related conditions. In summary, the available evidence is currently insufficient to determine the role of this variant in disease. Therefore, it has been classified as a Variant of Uncertain Significance. Algorithms developed to predict the effect of missense changes on protein structure and function (SIFT, PolyPhen-2, Align-GVGD) all suggest that this variant is likely to be tolerated.

NM_006180.6(NTRK2):c.1157A>G (p.Asp386Gly)

Gene: NTRK2 (neurotrophic receptor tyrosine kinase 2; plus strand). Cytogenetic location: 9q21.33.
Variant type: single nucleotide variant.
Coding change: c.1157A>G on transcript NM_006180.6 (MANE Select); coding-DNA position 1157, A replaced by G.
Protein change: p.Asp386Gly; replaces aspartic acid 386 with glycine.
Molecular consequence: missense variant.
Genome position (GRCh38, 1-based): chr9:84,727,957, A>G. VCF-style: chr9-84727957-A-G. GRCh37 (hg19) VCF-style: chr9-87342872-A-G.
Other names: c.1157A>G, p.Asp386Gly (NM_001007097.3, NM_001018064.3, NM_001018065.2 and 16 more transcripts); c.1118A>G, p.Asp373Gly (NM_001291937.2, NM_001369546.1); c.689A>G, p.Asp230Gly (NM_001369535.1, NM_001369536.1, NM_001369550.1 and 2 more transcripts); short protein forms D373G, D386G, D230G.
Identifiers: ClinVar variation 1496930 (VCV001496930.8), dbSNP rs2132083289, ClinGen allele CA374009416.